The following is an entry in ClinVar:

ClinVar aggregate classification (germline): Uncertain significance (1 of 4 stars; one submission).

Conditions:
X-linked myopathy with postural muscle atrophy. Also called: FHL1-Related Emery-Dreifuss Muscular Dystrophy, X-Linked. Identifiers: Orphanet 178461, MedGen C2678055, MONDO:0010401, OMIM 300696.

Submission:

Labcorp Genetics (formerly Invitae), Labcorp
Classification: Uncertain significance for X-linked myopathy with postural muscle atrophy. Last evaluated: 2025-11-12. Review status: criteria provided, single submitter. Criteria: Invitae Variant Classification Sherloc (09022015). Collection method: clinical testing. Allele origin: germline.
Comment: This sequence change replaces phenylalanine, which is neutral and non-polar, with tyrosine, which is neutral and polar, at codon 32 of the FHL1 protein (p.Phe32Tyr). This variant is not present in population databases (gnomAD no frequency). This variant has not been reported in the literature in individuals affected with FHL1-related conditions. ClinVar contains an entry for this variant (Variation ID: 2889960). An algorithm developed to predict the effect of missense changes on protein structure and function (PolyPhen-2) suggests that this variant is likely to be tolerated. In summary, the available evidence is currently insufficient to determine the role of this variant in disease. Therefore, it has been classified as a Variant of Uncertain Significance.

NM_001159699.2(FHL1):c.143T>A (p.Phe48Tyr)

Gene: FHL1 (four and a half LIM domains 1; plus strand). Cytogenetic location: Xq26.3.
Variant type: single nucleotide variant.
Coding change: c.143T>A on transcript NM_001159699.2 (MANE Select); coding-DNA position 143, T replaced by A.
Protein change: p.Phe48Tyr; replaces phenylalanine 48 with tyrosine.
Molecular consequence: missense variant. On other transcripts: non-coding transcript variant (1).
Genome position (GRCh38, 1-based): chrX:136,206,527, T>A. VCF-style: chrX-136206527-T-A. GRCh37 (hg19) VCF-style: chrX-135288686-T-A.
Other names: c.95T>A, p.Phe32Tyr (NM_001159700.2, NM_001159702.3, NM_001159703.2 and 9 more transcripts); c.182T>A, p.Phe61Tyr (NM_001159701.2); c.143T>A, p.Phe48Tyr (NM_001330659.2); short protein forms F61Y, F32Y, F48Y.
Identifiers: ClinVar variation 2889960 (VCV002889960.3), dbSNP rs2521249242, ClinGen allele CA414607722.